The following is an entry in ClinVar:

ClinVar aggregate classification (germline): Uncertain significance (1 of 4 stars; one submission).

Conditions:
Autoimmune lymphoproliferative syndrome, type III caused by mutation in PRKCD. Identifiers: Orphanet 3261, Orphanet 664711, MedGen C3809928, MONDO:8000024, OMIM 615559.

Submission:

Labcorp Genetics (formerly Invitae), Labcorp
Classification: Uncertain significance for Autoimmune lymphoproliferative syndrome, type III caused by mutation in PRKCD. Last evaluated: 2019-09-12. Review status: criteria provided, single submitter. Criteria: Invitae Variant Classification Sherloc (09022015). Collection method: clinical testing. Allele origin: germline.
Comment: In summary, the available evidence is currently insufficient to determine the role of this variant in disease. Therefore, it has been classified as a Variant of Uncertain Significance. Algorithms developed to predict the effect of missense changes on protein structure and function are either unavailable or do not agree on the potential impact of this missense change (SIFT: "Deleterious"; PolyPhen-2: "Probably Damaging"; Align-GVGD: "Class C0"). This variant has not been reported in the literature in individuals with PRKCD-related conditions. This variant is not present in population databases (ExAC no frequency). This sequence change replaces tryptophan with arginine at codon 608 of the PRKCD protein (p.Trp608Arg). The tryptophan residue is highly conserved and there is a moderate physicochemical difference between tryptophan and arginine.

NM_006254.4(PRKCD):c.1822T>C (p.Trp608Arg)

Gene: PRKCD (protein kinase C delta; plus strand). Cytogenetic location: 3p21.1.
Variant type: single nucleotide variant.
Coding change: c.1822T>C on transcript NM_006254.4 (MANE Select); coding-DNA position 1822, T replaced by C.
Protein change: p.Trp608Arg; replaces tryptophan 608 with arginine.
Molecular consequence: missense variant.
Genome position (GRCh38, 1-based): chr3:53,189,951, T>C. VCF-style: chr3-53189951-T-C. GRCh37 (hg19) VCF-style: chr3-53223967-T-C.
Other names: c.1822T>C, p.Trp608Arg (NM_001316327.2, NM_001354679.2, NM_001354680.2 and 1 more transcripts); c.1879T>C, p.Trp627Arg (NM_001354676.2); c.1870T>C, p.Trp624Arg (NM_001354678.2); short protein forms W627R, W624R, W608R.
Identifiers: ClinVar variation 959761 (VCV000959761.6), dbSNP rs1703863535, ClinGen allele CA353224409.